The following is an entry in ClinVar:

NM_000492.4(CFTR):c.1148T>C (p.Leu383Ser)

Gene: CFTR (CF transmembrane conductance regulator; plus strand). Cytogenetic location: 7q31.2.
Variant type: single nucleotide variant.
Coding change: c.1148T>C on transcript NM_000492.4 (MANE Select); coding-DNA position 1148, T replaced by C.
Protein change: p.Leu383Ser; replaces leucine 383 with serine.
Molecular consequence: missense variant.
Genome position (GRCh38, 1-based): chr7:117,542,047, T>C. VCF-style: chr7-117542047-T-C. GRCh37 (hg19) VCF-style: chr7-117182101-T-C.
Other names: short protein forms L383S.
Identifiers: ClinVar variation 53201 (VCV000053201.5), dbSNP rs397508166, ClinGen allele CA326417.
Genomic context (GRCh38, chr7:117,542,047, plus strand): 5'-AATATGTTTTTGCTCTCTTTTATAAATAGGATTTCTTACAAAAGCAAGAATATAAGACAT[T>C]GGAATATAACTTAACGACTACAGAAGTAGTGATGGAGAATGTAACAGCCTTCTGGGAGGA-3'
Protein context (NP_000483.3, residues 373-393): DFLQKQEYKT[Leu383Ser]EYNLTTTEVV

ClinVar aggregate classification (germline): Uncertain significance. Review status: criteria provided, single submitter (1 of 4 stars). 3 submissions from 3 submitters: Uncertain significance (1). 2 of the submissions do not count toward it. Last evaluated 2026-06-30.

Conditions:
Cystic fibrosis (CF). Also called: MUCOVISCIDOSIS. Identifiers: Orphanet 586, MedGen C0010674, MONDO:0009061, OMIM 219700. Disease mechanism: loss of function.

Allele frequency attached by ClinVar (database versions not stated): gnomAD exomes below 0.00001; gnomAD 0.00001; 1000 Genomes Project 30x 0.00016; 1000 Genomes Project 0.00020.
gnomAD v4.1: 4 of 1,591,942 alleles (0.00025%); highest among the groups gnomAD compares: Admixed American, 0.0033%; no homozygotes.

Submissions (3):

Women's Health and Genetics/Laboratory Corporation of America, LabCorp
Classification: Uncertain significance. Last evaluated: 2026-06-30. Review status: criteria provided, single submitter. Criteria: LabCorp Variant Classification Summary - May 2015. Collection method: clinical testing. Allele origin: germline.
Comment: Variant summary: CFTR c.1148T>C (p.Leu383Ser) results in a non-conservative amino acid change in the encoded protein sequence. Algorithms developed to predict the effect of missense changes on protein structure and function all suggest that this variant is likely to be disruptive. The variant was absent in 250884 control chromosomes. The available data on variant occurrences in the general population are insufficient to allow any conclusion about variant significance. c.1148T>C has been reported in the literature in individuals affected with Congenital absence of the vas deferens (Casals_2000). These report(s) do not provide unequivocal conclusions about association of the variant with Cystic Fibrosis. To our knowledge, no experimental evidence demonstrating an impact on protein function has been reported. The following publication have been ascertained in the context of this evaluation (PMID: 10875853). ClinVar contains an entry for this variant (Variation ID: 53201). Based on the evidence outlined above, the variant was classified as uncertain significance.

Counsyl
Classification: Uncertain significance for Cystic fibrosis. Last evaluated: 2017-04-05. Review status: no assertion criteria provided. Collection method: clinical testing. Allele origin: unknown. Not counted in ClinVar's aggregate classification.

ClinVar Staff, National Center for Biotechnology Information (NCBI)
No classification provided. Condition: CFTR-related disorders. Review status: no classification provided. Collection method: literature only. Allele origin: germline. Affected: yes. Not counted in ClinVar's aggregate classification.

Literature cited by the submitters: PubMed 10875853 (cited by 3 submitters).